The following is an entry in ClinVar:

ClinVar aggregate classification (germline): Benign/Likely benign. Review status: criteria provided, multiple submitters, no conflicts (2 of 4 stars). 7 submissions from 7 submitters: Benign (1); Likely benign (5). 1 of the submissions does not count toward it. Last evaluated 2026-01-06.

Conditions:
Familial cancer of breast. Also called: BREAST CANCER, FAMILIAL; Hereditary breast cancer; hereditary breast carcinoma. Identifiers: Orphanet 227535, MedGen C0346153, MONDO:0016419, OMIM 114480. Disease mechanism: loss of function.
Hereditary cancer-predisposing syndrome. Also called: Tumor predisposition; Hereditary Cancer Syndrome; Hereditary neoplastic syndrome; Neoplastic Syndromes, Hereditary. Identifiers: Orphanet 140162, MedGen C0027672, MeSH D009386, MONDO:0015356.

Allele frequency attached by ClinVar (database versions not stated): TOPMed below 0.00001; gnomAD exomes 0.00001; ESP Exome Variant Server 0.00008.
gnomAD v4.1: 18 of 1,614,162 alleles (0.0011%); highest among the groups gnomAD compares: Non-Finnish European, 0.0014%; no homozygotes.

Submissions (7):

Labcorp Genetics (formerly Invitae), Labcorp
Classification: Likely benign for Familial cancer of breast. Last evaluated: 2026-01-06. Review status: criteria provided, single submitter. Criteria: Invitae Variant Classification Sherloc (09022015). Collection method: clinical testing. Allele origin: germline.

Women's Health and Genetics/Laboratory Corporation of America, LabCorp
Classification: Likely benign. Last evaluated: 2025-05-09. Review status: criteria provided, single submitter. Criteria: LabCorp Variant Classification Summary - May 2015. Collection method: clinical testing. Allele origin: germline.

Myriad Genetics, Inc.
Classification: Benign for Familial cancer of breast. Last evaluated: 2024-10-02. Review status: criteria provided, single submitter. Criteria: Myriad Autosomal Dominant, Autosomal Recessive and X-Linked Classification Criteria (2023). Collection method: clinical testing. Allele origin: unknown.
Comment: This variant is considered benign. This variant is a silent/synonymous amino acid change and it is not expected to impact splicing.

GeneDx
Classification: Likely benign. Last evaluated: 2020-05-21. Review status: criteria provided, single submitter. Criteria: GeneDx Variant Classification Process June 2021. Collection method: clinical testing. Allele origin: germline. Affected: yes.

Color Diagnostics, LLC DBA Color Health
Classification: Likely benign for Hereditary cancer-predisposing syndrome. Last evaluated: 2016-04-04. Review status: criteria provided, single submitter. Criteria: ACMG Guidelines, 2015. Collection method: clinical testing. Allele origin: germline.

Ambry Genetics
Classification: Likely benign for Hereditary cancer-predisposing syndrome. Last evaluated: 2015-07-31. Review status: criteria provided, single submitter. Criteria: Ambry Variant Classification Scheme 2023. Collection method: clinical testing. Allele origin: germline.

Department of Pathology and Laboratory Medicine, Sinai Health System
Classification: Likely benign. Review status: no assertion criteria provided. Collection method: clinical testing. Allele origin: unknown. Affected: yes. Study: The Canadian Open Genetics Repository (COGR). Not counted in ClinVar's aggregate classification.
Comment: The CHEK2 p.Ile157= variant was not identified in the literature nor was it identified in dbSNP. The variant was identified in ClinVar (classified as likely benign by GeneDx, Invitae, Ambry Genetics, and Color). The variant was not identified in the following control databases: the Exome Aggregation Consortium (August 8th 2016) or the Genome Aggregation Database (Feb 27, 2017). The p.Ile157= variant is not expected to have clinical significance because it does not result in a change of amino acid and is not located in a known consensus splice site. In addition, in silico or computational prediction software programs (SpliceSiteFinder, MaxEntScan, NNSPLICE, GeneSplicer) do not predict a difference in splicing. In summary, based on the above information, the clinical significance of this variant cannot be determined with certainty at this time although we would lean towards a more benign role for this variant. This variant is classified as likely benign.

NM_007194.4(CHEK2):c.471T>C (p.Ile157=)

Gene: CHEK2 (checkpoint kinase 2; minus strand). Cytogenetic location: 22q12.1.
Variant type: single nucleotide variant.
Coding change: c.471T>C on transcript NM_007194.4 (MANE Select); coding-DNA position 471, T replaced by C.
Protein change: p.Ile157=; no amino-acid change (isoleucine 157 retained).
Molecular consequence: synonymous variant. On other transcripts: 5 prime UTR variant (2), intron variant (1).
Genome position (GRCh38, 1-based): chr22:28,725,098, A>G on the plus strand (T>C on the coding strand, the complement: CHEK2 is on the minus strand). VCF-style: chr22-28725098-A-G. GRCh37 (hg19) VCF-style: chr22-29121086-A-G.
Other names: c.600T>C, p.Ile200= (NM_001005735.3, NM_001438294.1); c.-307T>C (NM_001257387.3); c.-193T>C (NM_001437942.1); c.564T>C, p.Ile188= (NM_001438293.1, NM_001438295.1); c.471T>C, p.Ile157= (NM_145862.3); c.444+145T>C (NM_001349956.3).
Identifiers: ClinVar variation 183809 (VCV000183809.60), dbSNP rs374170772, ClinGen allele CA186568.
Genomic context (GRCh38, chr22:28,725,098, plus strand): 5'-TTTCCCTACAAGCTCTGTATTTACAAAGGTTCCATTGCCACTGTGATCTTCTATGTATGC[A>G]ATGTAAGAGTTTTTAGGACCCACTTCCTAAAATAGAGAACATTTTGTTTCAGACTTTGAA-3'
Protein context (NP_009125.1, residues 147-167): FREVGPKNSY[Ile157=]AYIEDHSGNG